The following is an entry in ClinVar:

NM_000179.3(MSH6):c.1284G>A (p.Lys428=)

Gene: MSH6 (mutS homolog 6; plus strand). Cytogenetic location: 2p16.3.
Variant type: single nucleotide variant.
Coding change: c.1284G>A on transcript NM_000179.3 (MANE Select); coding-DNA position 1284, G replaced by A.
Protein change: p.Lys428=; no amino-acid change (lysine 428 retained).
Molecular consequence: synonymous variant.
Genome position (GRCh38, 1-based): chr2:47,799,267, G>A. VCF-style: chr2-47799267-G-A. GRCh37 (hg19) VCF-style: chr2-48026406-G-A.
Other names: c.894G>A, p.Lys298= (NM_001281492.2); c.378G>A, p.Lys126= (NM_001281493.2, NM_001281494.2).
Identifiers: ClinVar variation 378967 (VCV000378967.21), dbSNP rs767746584, ClinGen allele CA067444.

ClinVar aggregate classification (germline): Benign/Likely benign. Review status: criteria provided, multiple submitters, no conflicts (2 of 4 stars). 8 submissions from 8 submitters: Benign (1); Likely benign (6). 1 of the submissions does not count toward it. Last evaluated 2026-01-05.

Conditions:
MSH6-related disorder. Also called: MSH6-related condition; MSH6-Related disorders.
Lynch syndrome. Identifiers: Orphanet 144, MedGen C4552100, MONDO:0005835. Disease mechanism: loss of function.
Lynch syndrome 5 (LYNCH5). Also called: Hereditary non-polyposis colorectal cancer, type 5; Colorectal cancer, hereditary nonpolyposis, type 5. Identifiers: Orphanet 144, MedGen C1833477, MONDO:0013710, OMIM 614350. Disease mechanism: loss of function.
Hereditary nonpolyposis colorectal neoplasms. Identifiers: MedGen C0009405, MeSH D003123.
Hereditary cancer-predisposing syndrome. Also called: Tumor predisposition; Neoplastic Syndromes, Hereditary; Hereditary neoplastic syndrome; Hereditary Cancer Syndrome. Identifiers: Orphanet 140162, MedGen C0027672, MeSH D009386, MONDO:0015356.

Allele frequency attached by ClinVar (database versions not stated): gnomAD below 0.00001 and 0.00001; gnomAD exomes below 0.00001; ExAC 0.00001; TOPMed 0.00001.

Submissions (8):

Labcorp Genetics (formerly Invitae), Labcorp
Classification: Likely benign for Hereditary nonpolyposis colorectal neoplasms. Last evaluated: 2026-01-05. Review status: criteria provided, single submitter. Criteria: Invitae Variant Classification Sherloc (09022015). Collection method: clinical testing. Allele origin: germline.

Myriad Genetics, Inc.
Classification: Benign for Lynch syndrome 5. Last evaluated: 2024-12-26. Review status: criteria provided, single submitter. Criteria: Myriad Autosomal Dominant, Autosomal Recessive and X-Linked Classification Criteria (2023). Collection method: clinical testing. Allele origin: unknown.
Comment: This variant is considered benign. This variant is a silent/synonymous amino acid change and it is not expected to impact splicing.

Blueprint Genetics
Classification: Likely benign. Last evaluated: 2024-03-07. Review status: criteria provided, single submitter. Criteria: ACMG Guidelines, 2015. Collection method: clinical testing. Allele origin: germline.

All of Us Research Program, National Institutes of Health
Classification: Likely benign for Lynch syndrome. Last evaluated: 2023-08-23. Review status: criteria provided, single submitter. Criteria: ACMG Guidelines, 2015. Collection method: clinical testing. Allele origin: germline. Inheritance: Autosomal dominant inheritance. Observed: 1 variant allele, 1 heterozygote.
Comment: This study involves interpretation of variants in research participants for the purpose of population health screening. Participant phenotype was not available at the time of variant classification. Additional details can be found in publication PMID: 35346344, PMCID: PMC8962531

Color Diagnostics, LLC DBA Color Health
Classification: Likely benign for Hereditary cancer-predisposing syndrome. Last evaluated: 2022-02-28. Review status: criteria provided, single submitter. Criteria: ACMG Guidelines, 2015. Collection method: clinical testing. Allele origin: germline.

GeneDx
Classification: Likely benign. Last evaluated: 2017-03-23. Review status: criteria provided, single submitter. Criteria: GeneDx Variant Classification (06012015). Collection method: clinical testing. Allele origin: germline. Affected: yes.
Comment: This variant is considered likely benign or benign based on one or more of the following criteria: it is a conservative change, it occurs at a poorly conserved position in the protein, it is predicted to be benign by multiple in silico algorithms, and/or has population frequency not consistent with disease.

Ambry Genetics
Classification: Likely benign for Hereditary cancer-predisposing syndrome. Last evaluated: 2017-02-10. Review status: criteria provided, single submitter. Criteria: Ambry Variant Classification Scheme 2023. Collection method: clinical testing. Allele origin: germline.

PreventionGenetics, part of Exact Sciences
Classification: Likely benign for MSH6-related condition. Last evaluated: 2020-01-21. Review status: no assertion criteria provided. Collection method: clinical testing. Allele origin: germline. Not counted in ClinVar's aggregate classification.
Comment: This variant is classified as likely benign based on ACMG/AMP sequence variant interpretation guidelines (Richards et al. 2015 PMID: 25741868, with internal and published modifications).